The following is an entry in ClinVar:

ClinVar aggregate classification (germline): Conflicting classifications of pathogenicity. Review status: criteria provided, conflicting classifications (1 of 4 stars). 2 submissions from 2 submitters: Uncertain significance (1); Likely benign (1). Last evaluated 2022-10-04.

Allele frequency attached by ClinVar (database versions not stated): TOPMed below 0.00001; gnomAD exomes 0.00001.
gnomAD v4.1: 17 of 1,610,072 alleles (0.0011%); highest among the groups gnomAD compares: Non-Finnish European, 0.0014%; no homozygotes.

Submissions (2):

Labcorp Genetics (formerly Invitae), Labcorp
Classification: Uncertain significance. Last evaluated: 2022-10-04. Review status: criteria provided, single submitter. Criteria: Invitae Variant Classification Sherloc (09022015). Collection method: clinical testing. Allele origin: germline.
Comment: In summary, the available evidence is currently insufficient to determine the role of this variant in disease. Therefore, it has been classified as a Variant of Uncertain Significance. Variants that disrupt the consensus splice site are a relatively common cause of aberrant splicing (PMID: 17576681, 9536098). Algorithms developed to predict the effect of sequence changes on RNA splicing suggest that this variant is not likely to affect RNA splicing. ClinVar contains an entry for this variant (Variation ID: 682389). This variant has not been reported in the literature in individuals affected with COL11A1-related conditions. This variant is not present in population databases (gnomAD no frequency). This sequence change falls in intron 2 of the COL11A1 gene. It does not directly change the encoded amino acid sequence of the COL11A1 protein. It affects a nucleotide within the consensus splice site.

GeneDx
Classification: Likely benign. Last evaluated: 2018-05-04. Review status: criteria provided, single submitter. Criteria: GeneDx Variant Classification (06012015). Collection method: clinical testing. Allele origin: germline. Affected: yes.
Comment: This variant is considered likely benign or benign based on one or more of the following criteria: it is a conservative change, it occurs at a poorly conserved position in the protein, it is predicted to be benign by multiple in silico algorithms, and/or has population frequency not consistent with disease.

Literature cited by the submitters: PubMed 17576681 (cited by Labcorp Genetics (formerly Invitae), Labcorp); PubMed 9536098 (cited by Labcorp Genetics (formerly Invitae), Labcorp).

NM_001854.4(COL11A1):c.274+5A>G

Gene: COL11A1 (collagen type XI alpha 1 chain; minus strand). Cytogenetic location: 1p21.1.
Variant type: single nucleotide variant.
Coding change: c.274+5A>G on transcript NM_001854.4 (MANE Select); 5 bases into the intron after coding-DNA position 274, A replaced by G.
Molecular consequence: intron variant.
Genome position (GRCh38, 1-based): chr1:103,082,800, T>C on the plus strand (A>G on the coding strand, the complement: COL11A1 is on the minus strand). VCF-style: chr1-103082800-T-C. GRCh37 (hg19) VCF-style: chr1-103548356-T-C.
Other names: c.274+5A>G (NM_001190709.2, NM_080629.3, NM_080630.4).
Identifiers: ClinVar variation 682389 (VCV000682389.6), dbSNP rs1571238473, ClinGen allele CA915941375.